The following is an entry in ClinVar:

ClinVar aggregate classification (germline): Uncertain significance (1 of 4 stars; one submission).

Conditions:
Hereditary cancer-predisposing syndrome. Also called: Neoplastic Syndromes, Hereditary; Tumor predisposition; Hereditary Cancer Syndrome; Hereditary neoplastic syndrome. Identifiers: Orphanet 140162, MedGen C0027672, MeSH D009386, MONDO:0015356.

Submission:

Ambry Genetics
Classification: Uncertain significance for Hereditary cancer-predisposing syndrome. Last evaluated: 2020-02-24. Review status: criteria provided, single submitter. Criteria: Ambry Variant Classification Scheme 2023. Collection method: clinical testing. Allele origin: germline.
Comment: The p.P134S variant (also known as c.400C>T), located in coding exon 1 of the HOXB13 gene, results from a C to T substitution at nucleotide position 400. The proline at codon 134 is replaced by serine, an amino acid with similar properties. This amino acid position is well conserved in available vertebrate species. In addition, this alteration is predicted to be tolerated by in silico analysis. Since supporting evidence is limited at this time, the clinical significance of this alteration remains unclear.

NM_006361.6(HOXB13):c.400C>T (p.Pro134Ser)

Gene: HOXB13 (homeobox B13; minus strand). Cytogenetic location: 17q21.32.
Variant type: single nucleotide variant.
Coding change: c.400C>T on transcript NM_006361.6 (MANE Select); coding-DNA position 400, C replaced by T.
Protein change: p.Pro134Ser; replaces proline 134 with serine.
Molecular consequence: missense variant.
Genome position (GRCh38, 1-based): chr17:48,728,194, G>A on the plus strand (C>T on the coding strand, the complement: HOXB13 is on the minus strand). VCF-style: chr17-48728194-G-A. GRCh37 (hg19) VCF-style: chr17-46805556-G-A.
Other names: short protein forms P134S.
Identifiers: ClinVar variation 1737000 (VCV001737000.2), dbSNP rs1431686412, ClinGen allele CA400107533.